The following is an entry in ClinVar:

NM_015374.3(SUN2):c.77C>T (p.Ser26Leu)

Gene: SUN2 (Sad1 and UNC84 domain containing 2; minus strand). Cytogenetic location: 22q13.1.
Variant type: single nucleotide variant.
Coding change: c.77C>T on transcript NM_015374.3 (MANE Select); coding-DNA position 77, C replaced by T.
Protein change: p.Ser26Leu; replaces serine 26 with leucine.
Molecular consequence: missense variant.
Genome position (GRCh38, 1-based): chr22:38,752,552, G>A on the plus strand (C>T on the coding strand, the complement: SUN2 is on the minus strand). VCF-style: chr22-38752552-G-A. GRCh37 (hg19) VCF-style: chr22-39148557-G-A.
Other names: c.77C>T, p.Ser26Leu (NM_001199579.2, NM_001199580.2, NM_001394427.1 and 18 more transcripts); short protein forms S26L.
Identifiers: ClinVar variation 1509035 (VCV001509035.6), dbSNP rs150683665, ClinGen allele CA10236110.
Genomic context (GRCh38, chr22:38,752,552, plus strand): 5'-CCCTTGGGTCCCTACCTGAGAGGACTGTCTTTAAACAGGGTGCTCTGACTCCCAGCCACC[G>A]AGCTCCCTCCGCTGCTGCTGCTGCCGTCATCGTCACCCTGGGAGTAGCGCGTGAGGCGCT-3'
Protein context (NP_056189.1, residues 16-36): DDGSSSSGGS[Ser26Leu]VAGSQSTLFK

ClinVar aggregate classification (germline): Uncertain significance (1 of 4 stars; one submission).

Conditions:
Emery-Dreifuss muscular dystrophy (EDMD). Also called: Scapuloperoneal syndrome, X-linked (formerly); Humeroperoneal neuromuscular disease, (formerly). Identifiers: Orphanet 261, MedGen C0410189, MONDO:0016830.

Allele frequency attached by ClinVar (database versions not stated): ExAC 0.00001; gnomAD 0.00001; gnomAD exomes 0.00001 and 0.00002; TOPMed 0.00001; ESP Exome Variant Server 0.00008.
gnomAD v4.1: 27 of 1,613,836 alleles (0.0017%); highest among the groups gnomAD compares: Non-Finnish European, 0.002%; no homozygotes.

Submission:

Labcorp Genetics (formerly Invitae), Labcorp
Classification: Uncertain significance for Emery-Dreifuss muscular dystrophy. Last evaluated: 2021-11-28. Review status: criteria provided, single submitter. Criteria: Invitae Variant Classification Sherloc (09022015). Collection method: clinical testing. Allele origin: germline.
Comment: In summary, the available evidence is currently insufficient to determine the role of this variant in disease. Therefore, it has been classified as a Variant of Uncertain Significance. Algorithms developed to predict the effect of missense changes on protein structure and function are either unavailable or do not agree on the potential impact of this missense change (SIFT: "Deleterious"; PolyPhen-2: "Benign"; Align-GVGD: "Class C0"). This variant has not been reported in the literature in individuals affected with SUN2-related conditions. This variant is present in population databases (rs150683665, gnomAD 0.003%). This sequence change replaces serine, which is neutral and polar, with leucine, which is neutral and non-polar, at codon 26 of the SUN2 protein (p.Ser26Leu).